The following is an entry in ClinVar:

ClinVar aggregate classification (germline): Uncertain significance (1 of 4 stars; one submission).

Conditions:
Joubert syndrome. Also called: Familial aplasia of the vermis; CEREBELLOPARENCHYMAL DISORDER IV; JOUBERT-BOLTSHAUSER SYNDROME. Identifiers: Orphanet 475, MedGen C5979921, MONDO:0018772.
Meckel-Gruber syndrome. Also called: Dysencephalia splachnocystica; DYSENCEPHALIA SPLANCHNOCYSTICA; GRUBER SYNDROME. Identifiers: Orphanet 564, MedGen C0265215, MONDO:0018921.

Submission:

Labcorp Genetics (formerly Invitae), Labcorp
Classification: Uncertain significance for Joubert syndrome; Meckel-Gruber syndrome. Last evaluated: 2023-07-25. Review status: criteria provided, single submitter. Criteria: Invitae Variant Classification Sherloc (09022015). Collection method: clinical testing. Allele origin: germline.
Comment: This sequence change falls in intron 19 of the RPGRIP1L gene. It does not directly change the encoded amino acid sequence of the RPGRIP1L protein. It affects a nucleotide within the consensus splice site. This variant is not present in population databases (gnomAD no frequency). This variant has not been reported in the literature in individuals affected with RPGRIP1L-related conditions. ClinVar contains an entry for this variant (Variation ID: 1057618). Variants that disrupt the consensus splice site are a relatively common cause of aberrant splicing (PMID: 17576681, 9536098). Algorithms developed to predict the effect of sequence changes on RNA splicing suggest that this variant is not likely to affect RNA splicing. In summary, the available evidence is currently insufficient to determine the role of this variant in disease. Therefore, it has been classified as a Variant of Uncertain Significance.

Literature cited by the submitters: PubMed 17576681; PubMed 9536098.

NM_015272.5(RPGRIP1L):c.2958+3A>G

Gene: RPGRIP1L (RPGRIP1 like; minus strand). Cytogenetic location: 16q12.2.
Variant type: single nucleotide variant.
Coding change: c.2958+3A>G on transcript NM_015272.5 (MANE Select); 3 bases into the intron after coding-DNA position 2958, A replaced by G.
Molecular consequence: intron variant.
Genome position (GRCh38, 1-based): chr16:53,641,030, T>C on the plus strand (A>G on the coding strand, the complement: RPGRIP1L is on the minus strand). VCF-style: chr16-53641030-T-C. GRCh37 (hg19) VCF-style: chr16-53674942-T-C.
Other names: c.2958+3A>G (NM_001127897.4, NM_001330538.2, NM_001308334.3).
Identifiers: ClinVar variation 1057618 (VCV001057618.10), dbSNP rs2151056549, ClinGen allele CA2499223561.